The following is an entry in ClinVar:

NM_006767.4(LZTR1):c.2383A>G (p.Ile795Val)

Gene: LZTR1 (leucine zipper like post translational regulator 1; plus strand). Cytogenetic location: 22q11.21.
Variant type: single nucleotide variant.
Coding change: c.2383A>G on transcript NM_006767.4 (MANE Select); coding-DNA position 2383, A replaced by G.
Protein change: p.Ile795Val; replaces isoleucine 795 with valine.
Molecular consequence: missense variant.
Genome position (GRCh38, 1-based): chr22:20,996,943, A>G. VCF-style: chr22-20996943-A-G. GRCh37 (hg19) VCF-style: chr22-21351232-A-G.
Other names: short protein forms I795V.
Identifiers: ClinVar variation 4859422 (VCV004859422.1).
Genomic context (GRCh38, chr22:20,996,943, plus strand): 5'-CAGATCCTGGAGGCAGCTGACAAAACGCAGGCACTGGACATGAAGCGGCACTGCCTGCAC[A>G]TCATTGTGCACCAGTTCACCAAGGTCAGGGCTCTGGCCTCCCCTTCAGGACTCGCTTCCC-3'
Protein context (NP_006758.2, residues 785-805): ALDMKRHCLH[Ile795Val]IVHQFTKVSK

ClinVar aggregate classification (germline): Uncertain significance (1 of 4 stars; one submission).

Conditions:
Cardiovascular phenotype. Identifiers: MedGen CN230736.
Hereditary cancer-predisposing syndrome. Also called: Neoplastic Syndromes, Hereditary; Tumor predisposition; Hereditary Cancer Syndrome; Hereditary neoplastic syndrome. Identifiers: Orphanet 140162, MedGen C0027672, MeSH D009386, MONDO:0015356.

gnomAD v4.1: 1 of 1,613,722 alleles (0.000062%); highest among the groups gnomAD compares: Non-Finnish European, 0.000085%; no homozygotes.

Submission:

Ambry Genetics
Classification: Uncertain significance for Cardiovascular phenotype; Hereditary cancer-predisposing syndrome. Last evaluated: 2026-05-27. Review status: criteria provided, single submitter. Criteria: Ambry Variant Classification Scheme 2023. Collection method: clinical testing. Allele origin: germline.
Comment: The p.I795V variant (also known as c.2383A>G), located in coding exon 20 of the LZTR1 gene, results from an A to G substitution at nucleotide position 2383. The isoleucine at codon 795 is replaced by valine, an amino acid with highly similar properties. This amino acid position is conserved. In addition, the in silico prediction for this alteration is inconclusive. Based on the available evidence, the clinical significance of this variant remains unclear.